The following is an entry in ClinVar:

ClinVar aggregate classification (germline): Uncertain significance (1 of 4 stars; one submission).

gnomAD v4.1: 79 of 1,489,972 alleles (0.0053%); highest among the groups gnomAD compares: Middle Eastern, 0.037%; no homozygotes.

Submission:

CeGaT Center for Human Genetics Tuebingen
Classification: Uncertain significance. Last evaluated: 2025-11-01. Review status: criteria provided, single submitter. Criteria: CeGaT Center For Human Genetics Tuebingen Variant Classification Criteria Version 2. Collection method: clinical testing. Allele origin: germline. Affected: yes. Observed: 1 variant allele.
Comment: FHOD3: PM2:Supporting, BP4

NM_001281740.3(FHOD3):c.992C>T (p.Thr331Met)

Gene: FHOD3 (formin homology 2 domain containing 3; plus strand). Cytogenetic location: 18q12.2.
Variant type: single nucleotide variant.
Coding change: c.992C>T on transcript NM_001281740.3 (MANE Select); coding-DNA position 992, C replaced by T.
Protein change: p.Thr331Met; replaces threonine 331 with methionine.
Molecular consequence: missense variant.
Genome position (GRCh38, 1-based): chr18:36,625,545, C>T. VCF-style: chr18-36625545-C-T. GRCh37 (hg19) VCF-style: chr18-34205508-C-T.
Other names: c.992C>T, p.Thr331Met (NM_001281739.3, NM_025135.5); short protein forms T331M.
Identifiers: ClinVar variation 4533812 (VCV004533812.6).